The following is an entry in ClinVar:

NM_002880.4(RAF1):c.1161C>A (p.Phe387Leu)

Gene: RAF1 (Raf-1 proto-oncogene, serine/threonine kinase; minus strand). Cytogenetic location: 3p25.2.
Variant type: single nucleotide variant.
Coding change: c.1161C>A on transcript NM_002880.4 (MANE Select); coding-DNA position 1161, C replaced by A.
Protein change: p.Phe387Leu; replaces phenylalanine 387 with leucine.
Molecular consequence: missense variant. On other transcripts: non-coding transcript variant (3).
Genome position (GRCh38, 1-based): chr3:12,591,740, G>T on the plus strand (C>A on the coding strand, the complement: RAF1 is on the minus strand). VCF-style: chr3-12591740-G-T. GRCh37 (hg19) VCF-style: chr3-12633239-G-T.
Other names: c.1221C>A, p.Phe407Leu (NM_001354689.3); c.1161C>A, p.Phe387Leu (NM_001354690.3); c.918C>A, p.Phe306Leu (NM_001354691.3, NM_001354692.3); c.1062C>A, p.Phe354Leu (NM_001354693.3); c.978C>A, p.Phe326Leu (NM_001354694.3); c.819C>A, p.Phe273Leu (NM_001354695.3); short protein forms F326L, F354L, F273L, F306L, F387L, F407L.
Identifiers: ClinVar variation 3429938 (VCV003429938.1).

ClinVar aggregate classification (germline): Uncertain significance (1 of 4 stars; one submission).

Conditions:
Cardiovascular phenotype. Identifiers: MedGen CN230736.

Submission:

Ambry Genetics
Classification: Uncertain significance for Cardiovascular phenotype. Last evaluated: 2024-08-23. Review status: criteria provided, single submitter. Criteria: Ambry Variant Classification Scheme 2023. Collection method: clinical testing. Allele origin: germline.
Comment: The p.F387L variant (also known as c.1161C>A), located in coding exon 10 of the RAF1 gene, results from a C to A substitution at nucleotide position 1161. The phenylalanine at codon 387 is replaced by leucine, an amino acid with highly similar properties. This amino acid position is conserved. In addition, this alteration is predicted to be tolerated by in silico analysis. Based on the available evidence, the clinical significance of this variant remains unclear.